The following is an entry in ClinVar:

ClinVar aggregate classification (germline): Conflicting classifications of pathogenicity. Review status: criteria provided, conflicting classifications (1 of 4 stars). 2 submissions from 2 submitters: Uncertain significance (1); Likely benign (1). Last evaluated 2023-05-15.

Conditions:
Intellectual developmental disorder, X-linked 1. Also called: Intellectual disability, X-linked 1; Atkin Flaitz Patil Smith syndrome; MENTAL RETARDATION, X-LINKED 18; MENTAL RETARDATION, X-LINKED 78. Identifiers: Orphanet 777, MedGen C2931498, MONDO:0010656, OMIM 309530.

gnomAD v4.1: 2 of 1,165,770 alleles (0.00017%); highest among the groups gnomAD compares: African/African-American, 0.0018%; no homozygotes.

Submissions (2):

Labcorp Genetics (formerly Invitae), Labcorp
Classification: Uncertain significance for Intellectual developmental disorder, X-linked 1. Last evaluated: 2023-05-15. Review status: criteria provided, single submitter. Criteria: Invitae Variant Classification Sherloc (09022015). Collection method: clinical testing. Allele origin: germline.
Comment: This variant is not present in population databases (gnomAD no frequency). In summary, the available evidence is currently insufficient to determine the role of this variant in disease. Therefore, it has been classified as a Variant of Uncertain Significance. Advanced modeling of protein sequence and biophysical properties (such as structural, functional, and spatial information, amino acid conservation, physicochemical variation, residue mobility, and thermodynamic stability) performed at Invitae indicates that this missense variant is not expected to disrupt IQSEC2 protein function. ClinVar contains an entry for this variant (Variation ID: 2430909). This variant has not been reported in the literature in individuals affected with IQSEC2-related conditions. This sequence change replaces alanine, which is neutral and non-polar, with serine, which is neutral and polar, at codon 217 of the IQSEC2 protein (p.Ala217Ser).

GeneDx
Classification: Likely benign. Last evaluated: 2022-05-11. Review status: criteria provided, single submitter. Criteria: GeneDx Variant Classification Process June 2021. Collection method: clinical testing. Allele origin: germline. Affected: yes.
Comment: See Variant Classification Assertion Criteria.

NM_001111125.3(IQSEC2):c.649G>T (p.Ala217Ser)

Gene: IQSEC2 (IQ motif and Sec7 domain ArfGEF 2; minus strand). Cytogenetic location: Xp11.22.
Variant type: single nucleotide variant.
Coding change: c.649G>T on transcript NM_001111125.3 (MANE Select); coding-DNA position 649, G replaced by T.
Protein change: p.Ala217Ser; replaces alanine 217 with serine.
Molecular consequence: missense variant.
Genome position (GRCh38, 1-based): chrX:53,320,475, C>A on the plus strand (G>T on the coding strand, the complement: IQSEC2 is on the minus strand). VCF-style: chrX-53320475-C-A. GRCh37 (hg19) VCF-style: chrX-53349673-C-A.
Other names: c.649G>T, p.Ala217Ser (NM_001410736.1); short protein forms A217S.
Identifiers: ClinVar variation 2430909 (VCV002430909.4), dbSNP rs1208700189, ClinGen allele CA413238898.